The following is an entry in ClinVar:

ClinVar aggregate classification (germline): Uncertain significance. Review status: criteria provided, single submitter (1 of 4 stars). 3 submissions from 3 submitters: Uncertain significance (1). 2 of the submissions do not count toward it. Last evaluated 2022-08-23.

Conditions:
Cohen syndrome (COH1). Also called: PEPPER SYNDROME; Cutis verticis gyrata, retinitis pigmentosa, and sensorineural deafness. Identifiers: Orphanet 193, MedGen C0265223, MONDO:0008999, OMIM 216550.
VPS13B-related disorder. Also called: VPS13B-related condition.

Allele frequency attached by ClinVar (database versions not stated): TOPMed 0.00005; gnomAD 0.00008; ESP Exome Variant Server 0.00015; 1000 Genomes Project 30x 0.00016; 1000 Genomes Project 0.00020.
gnomAD v4.1: 15 of 1,610,062 alleles (0.00093%); highest among the groups gnomAD compares: African/African-American, 0.02%; no homozygotes.

Submissions (3):

Labcorp Genetics (formerly Invitae), Labcorp
Classification: Uncertain significance for Cohen syndrome. Last evaluated: 2022-08-23. Review status: criteria provided, single submitter. Criteria: Invitae Variant Classification Sherloc (09022015). Collection method: clinical testing. Allele origin: germline.
Comment: This sequence change replaces lysine, which is basic and polar, with threonine, which is neutral and polar, at codon 1217 of the VPS13B protein (p.Lys1217Thr). This variant is present in population databases (rs138000928, gnomAD 0.02%). This variant has not been reported in the literature in individuals affected with VPS13B-related conditions. ClinVar contains an entry for this variant (Variation ID: 955115). Algorithms developed to predict the effect of missense changes on protein structure and function are either unavailable or do not agree on the potential impact of this missense change (SIFT: "Not Available"; PolyPhen-2: "Probably Damaging"; Align-GVGD: "Not Available"). In summary, the available evidence is currently insufficient to determine the role of this variant in disease. Therefore, it has been classified as a Variant of Uncertain Significance.

PreventionGenetics, part of Exact Sciences
Classification: Uncertain significance for VPS13B-related condition. Last evaluated: 2024-05-21. Review status: no assertion criteria provided. Collection method: clinical testing. Allele origin: germline. Not counted in ClinVar's aggregate classification.
Comment: The VPS13B c.3650A>C variant is predicted to result in the amino acid substitution p.Lys1217Thr. To our knowledge, this variant has not been reported in the literature. This variant is reported in 0.028% of alleles in individuals of African descent in gnomAD. At this time, the clinical significance of this variant is uncertain due to the absence of conclusive functional and genetic evidence.

Natera, Inc.
Classification: Uncertain significance for Cohen syndrome. Last evaluated: 2020-07-29. Review status: no assertion criteria provided. Collection method: clinical testing. Allele origin: germline. Not counted in ClinVar's aggregate classification.

NM_152564.5(VPS13B):c.3650A>C (p.Lys1217Thr)

Gene: VPS13B (vacuolar protein sorting 13 homolog B; plus strand). Cytogenetic location: 8q22.2.
Variant type: single nucleotide variant.
Coding change: c.3650A>C on transcript NM_152564.5 (MANE Select); coding-DNA position 3650, A replaced by C.
Protein change: p.Lys1217Thr; replaces lysine 1217 with threonine.
Molecular consequence: missense variant.
Genome position (GRCh38, 1-based): chr8:99,467,618, A>C. VCF-style: chr8-99467618-A-C. GRCh37 (hg19) VCF-style: chr8-100479846-A-C.
Other names: c.3650A>C, p.Lys1217Thr (NM_017890.5); c.3650A>C (NM_152564.4); short protein forms K1217T.
Identifiers: ClinVar variation 955115 (VCV000955115.11), dbSNP rs138000928, ClinGen allele CA4823291.